The following is an entry in ClinVar:

ClinVar aggregate classification (germline): Uncertain significance. Review status: criteria provided, multiple submitters, no conflicts (2 of 4 stars). 8 submissions from 8 submitters: Uncertain significance (5). 3 of the submissions do not count toward it. Last evaluated 2025-12-01.

Conditions:
Autosomal recessive nonsyndromic hearing loss 1A (DFNB1A). Also called: Deafness, autosomal recessive 1A; GJB2-Related Autosomal Recessive Nonsyndromic Hearing Loss; Connexin 26 deafness; Deafness nonsyndromic, Connexin 26 linked; Nonsyndromic Hearing Loss and Deafness, DFNB1; GJB6-Related DFNB 1 Nonsyndromic Hearing Loss and Deafness. Identifiers: Orphanet 90636, MedGen C2673759, MONDO:0009076, OMIM 220290.
Palmoplantar keratoderma-deafness syndrome. Also called: Keratoderma palmoplantar, with deafness; Palmoplantar keratoderma and sensorineural deafness; Hereditary palmoplantar keratoderma with deafness (subtype); Focal palmoplantar keratoderma with sensorineural deafness (subtype); Diffuse palmoplantar keratoderma with deafness (subtype). Identifiers: Orphanet 2202, MedGen C1835672, MONDO:0007852, OMIM 148350.
Knuckle pads, deafness AND leukonychia syndrome. Also called: Bart-Pumphrey syndrome. Identifiers: Orphanet 2698, MedGen C0266004, MONDO:0007866, OMIM 149200.
Autosomal dominant keratitis-ichthyosis-hearing loss syndrome. Also called: HID SYNDROME; KID SYNDROME, AUTOSOMAL DOMINANT; Senter syndrome. Identifiers: Orphanet 477, MedGen C0265336, MONDO:0007850, OMIM 148210.
X-linked mixed hearing loss with perilymphatic gusher. Also called: NANCE DEAFNESS; Gusher syndrome; PERILYMPHATIC GUSHER-DEAFNESS SYNDROME; SENSORINEURAL DEAFNESS, PROFOUND, WITH OR WITHOUT A CONDUCTIVE COMPONENT, ASSOCIATED WITH A UNIQUE DEVELOPMENTAL ABNORMALITY OF THE EAR; Deafness, X-linked 2. Identifiers: Orphanet 383, MedGen C1844678, MONDO:0010576, OMIM 304400.
Autosomal dominant nonsyndromic hearing loss 3A. Identifiers: Orphanet 90635, MedGen C2675750, MONDO:0011103, OMIM 601544.
Ichthyosis, hystrix-like, with hearing loss. Also called: Hystrix-like ichthyosis with deafness. Identifiers: Orphanet 477, MedGen C1865234, MONDO:0011245.
Mutilating keratoderma (VOWNKL). Also called: Keratoderma hereditarium mutilans. Identifiers: Orphanet 494, MedGen C0265964, MONDO:0007422, OMIM 124500.

Allele frequency attached by ClinVar (database versions not stated): gnomAD exomes 0.00003 and 0.00002; TOPMed 0.00002; ExAC 0.00002; gnomAD 0.00003.
gnomAD v4.1: 42 of 1,614,090 alleles (0.0026%); highest among the groups gnomAD compares: Admixed American, 0.013%; no homozygotes.

Submissions (8):

Labcorp Genetics (formerly Invitae), Labcorp
Classification: Uncertain significance. Last evaluated: 2025-12-01. Review status: criteria provided, single submitter. Criteria: Invitae Variant Classification Sherloc (09022015). Collection method: clinical testing. Allele origin: germline.
Comment: This sequence change replaces aspartic acid, which is acidic and polar, with valine, which is neutral and non-polar, at codon 159 of the GJB2 protein (p.Asp159Val). This variant is present in population databases (rs28931592, gnomAD 0.009%). This missense change has been observed in individual(s) with deafness (PMID: 12239718, 26061264; internal data). In at least one individual the data is consistent with being in trans (on the opposite chromosome) from a pathogenic variant. ClinVar contains an entry for this variant (Variation ID: 17024). Invitae Evidence Modeling of protein sequence and biophysical properties (such as structural, functional, and spatial information, amino acid conservation, physicochemical variation, residue mobility, and thermodynamic stability) has been performed for this missense variant. However, the output from this modeling did not meet the statistical confidence thresholds required to predict the impact of this variant on GJB2 protein function. This variant disrupts the p.Asp159 amino acid residue in GJB2. Other variant(s) that disrupt this residue have been observed in individuals with GJB2-related conditions (PMID: 14985372), which suggests that this may be a clinically significant amino acid residue. In summary, the available evidence is currently insufficient to determine the role of this variant in disease. Therefore, it has been classified as a Variant of Uncertain Significance.

GeneDx
Classification: Uncertain significance. Last evaluated: 2022-04-27. Review status: criteria provided, single submitter. Criteria: GeneDx Variant Classification Process June 2021. Collection method: clinical testing. Allele origin: germline. Affected: yes.
Comment: Reported with a second variant (phase unknown) in unrelated patients with hearing loss in published literature (Gualandi et al., 2002; Kim et al., 2015); In silico analysis supports that this missense variant has a deleterious effect on protein structure/function; This variant is associated with the following publications: (PMID: 26061264, 25388846, 12239718)

Women's Health and Genetics/Laboratory Corporation of America, LabCorp
Classification: Uncertain significance. Last evaluated: 2022-03-28. Review status: criteria provided, single submitter. Criteria: LabCorp Variant Classification Summary - May 2015. Collection method: clinical testing. Allele origin: germline.
Comment: Variant summary: GJB2 c.476A>T (p.Asp159Val) results in a non-conservative amino acid change located in the cysteine-rich domain (IPR019570) of the encoded protein sequence. Three of five in-silico tools predict a damaging effect of the variant on protein function. The variant allele was found at a frequency of 2.8e-05 in 251102 control chromosomes (gnomAD). c.476A>T has been reported in the literature in at least two compound heterozygous individuals affected with Non-Syndromic Hearing Loss (Gualandi_2002, Kim_2015, Lee_2021). These data indicate that the variant may be associated with disease. To our knowledge, no experimental evidence demonstrating an impact on protein function has been reported. Two ClinVar submitters have assessed the variant since 2014: both classified the variant as of uncertain significance. Based on the evidence outlined above, the variant was classified as VUS-possibly pathogenic.

Fulgent Genetics
Classification: Uncertain significance for Mutilating keratoderma; Autosomal dominant keratitis-ichthyosis-hearing loss syndrome; Palmoplantar keratoderma-deafness syndrome; Knuckle pads, deafness AND leukonychia syndrome; Autosomal recessive nonsyndromic hearing loss 1A; X-linked mixed hearing loss with perilymphatic gusher; Autosomal dominant nonsyndromic hearing loss 3A. Last evaluated: 2022-03-17. Review status: criteria provided, single submitter. Criteria: ACMG Guidelines, 2015. Collection method: clinical testing. Allele origin: unknown.

Athena Diagnostics
Classification: Uncertain significance. Last evaluated: 2019-06-12. Review status: criteria provided, single submitter. Criteria: Athena Diagnostics Criteria. Collection method: clinical testing. Allele origin: germline.

Natera, Inc.
Classification: Uncertain significance for Autosomal recessive deafness type 1A. Last evaluated: 2020-07-13. Review status: no assertion criteria provided. Collection method: clinical testing. Allele origin: germline. Not counted in ClinVar's aggregate classification.

Counsyl
Classification: Uncertain significance for Autosomal recessive nonsyndromic hearing loss 1A. Last evaluated: 2018-01-18. Review status: no assertion criteria provided. Collection method: clinical testing. Allele origin: unknown. Not counted in ClinVar's aggregate classification.

OMIM
Classification: Pathogenic for DEAFNESS, AUTOSOMAL RECESSIVE 1A. Last evaluated: 2002-09-15. Review status: no assertion criteria provided. Collection method: literature only. Allele origin: germline. Not counted in ClinVar's aggregate classification.

Literature cited by the submitters: PubMed 12239718 (cited by 5 submitters); PubMed 26061264 (cited by 3 submitters); PubMed 14985372 (cited by Labcorp Genetics (formerly Invitae), Labcorp); PubMed 33928925 (cited by Women's Health and Genetics/Laboratory Corporation of America, LabCorp).

NM_004004.6(GJB2):c.476A>T (p.Asp159Val)

Gene: GJB2 (gap junction protein beta 2; minus strand). Cytogenetic location: 13q12.11.
Variant type: single nucleotide variant.
Coding change: c.476A>T on transcript NM_004004.6 (MANE Select); coding-DNA position 476, A replaced by T.
Protein change: p.Asp159Val; replaces aspartic acid 159 with valine.
Molecular consequence: missense variant.
Genome position (GRCh38, 1-based): chr13:20,189,106, T>A on the plus strand (A>T on the coding strand, the complement: GJB2 is on the minus strand). VCF-style: chr13-20189106-T-A. GRCh37 (hg19) VCF-style: chr13-20763245-T-A.
Other names: short protein forms D159V.
Identifiers: ClinVar variation 17024 (VCV000017024.14), dbSNP rs28931592, ClinGen allele CA257680.